The following is an entry in ClinVar:

ClinVar aggregate classification (germline): Likely benign. Review status: criteria provided, multiple submitters, no conflicts (2 of 4 stars). 4 submissions from 4 submitters: Likely benign (3). 1 of the submissions does not count toward it. Last evaluated 2024-10-10.

Conditions:
ETFDH-related disorder. Also called: ETFDH-related condition.
Multiple acyl-CoA dehydrogenase deficiency (MADD). Also called: Glutaric aciduria, type 2; ETHYLMALONIC-ADIPICACIDURIA; GA II; Glutaric acidemia type II; GA 2; Glutaric Acidemia type 2. Identifiers: Orphanet 26791, MedGen C0268596, MONDO:0009282, OMIM 231680.

Allele frequency attached by ClinVar (database versions not stated): gnomAD exomes below 0.00001 and 0.00001; TOPMed 0.00001.
gnomAD v4.1: 17 of 1,613,554 alleles (0.0011%); highest among the groups gnomAD compares: Non-Finnish European, 0.0014%; no homozygotes.

Submissions (4):

Labcorp Genetics (formerly Invitae), Labcorp
Classification: Likely benign for Multiple acyl-CoA dehydrogenase deficiency. Last evaluated: 2024-10-10. Review status: criteria provided, single submitter. Criteria: Invitae Variant Classification Sherloc (09022015). Collection method: clinical testing. Allele origin: germline.

Blueprint Genetics
Classification: Likely benign. Last evaluated: 2022-01-11. Review status: criteria provided, single submitter. Criteria: ACMG Guidelines, 2015. Collection method: clinical testing. Allele origin: germline.

GeneDx
Classification: Likely benign. Last evaluated: 2017-07-17. Review status: criteria provided, single submitter. Criteria: GeneDx Variant Classification (06012015). Collection method: clinical testing. Allele origin: germline. Affected: yes.
Comment: This variant is considered likely benign or benign based on one or more of the following criteria: it is a conservative change, it occurs at a poorly conserved position in the protein, it is predicted to be benign by multiple in silico algorithms, and/or has population frequency not consistent with disease.

PreventionGenetics, part of Exact Sciences
Classification: Likely benign for ETFDH-related condition. Last evaluated: 2021-03-09. Review status: no assertion criteria provided. Collection method: clinical testing. Allele origin: germline. Not counted in ClinVar's aggregate classification.
Comment: This variant is classified as likely benign based on ACMG/AMP sequence variant interpretation guidelines (Richards et al. 2015 PMID: 25741868, with internal and published modifications).

NM_004453.4(ETFDH):c.888T>C (p.Gly296=)

Gene: ETFDH (electron transfer flavoprotein dehydrogenase; plus strand). Cytogenetic location: 4q32.1.
Variant type: single nucleotide variant.
Coding change: c.888T>C on transcript NM_004453.4 (MANE Select); coding-DNA position 888, T replaced by C.
Protein change: p.Gly296=; no amino-acid change (glycine 296 retained).
Molecular consequence: synonymous variant.
Genome position (GRCh38, 1-based): chr4:158,697,615, T>C. VCF-style: chr4-158697615-T-C. GRCh37 (hg19) VCF-style: chr4-159618767-T-C.
Other names: c.888T>C (NM_004453.3); c.747T>C, p.Gly249= (NM_001281737.2); c.705T>C, p.Gly235= (NM_001281738.1).
Identifiers: ClinVar variation 510875 (VCV000510875.13), dbSNP rs1174948040, ClinGen allele CA442138331.